The following is an entry in ClinVar:

ClinVar aggregate classification (germline): Conflicting classifications of pathogenicity. Review status: criteria provided, conflicting classifications (1 of 4 stars). 17 submissions from 16 submitters: Uncertain significance (12); Benign (1); Likely benign (1). 3 of the submissions do not count toward it. Last evaluated 2026-04-28.

Conditions:
BRIP1-related disorder. Also called: BRIP1-related condition; BRIP1-related disorders. Identifiers: MedGen CN239206.
Hereditary cancer-predisposing syndrome. Also called: Tumor predisposition; Hereditary neoplastic syndrome; Neoplastic Syndromes, Hereditary; Hereditary Cancer Syndrome. Identifiers: Orphanet 140162, MedGen C0027672, MeSH D009386, MONDO:0015356.
Familial cancer of breast. Also called: Hereditary breast cancer; hereditary breast carcinoma; BREAST CANCER, FAMILIAL. Identifiers: Orphanet 227535, MedGen C0346153, MONDO:0016419, OMIM 114480. Disease mechanism: loss of function.
Fanconi anemia complementation group J. Also called: BRIP1-Related Fanconi Anemia. Identifiers: Orphanet 84, MedGen C1836860, MONDO:0012187, OMIM 609054.
Ovarian cancer. Also called: OVARIAN CANCER, SOMATIC. Identifiers: Orphanet 213500, MedGen C1140680, MONDO:0008170, OMIM 167000.

Allele frequency attached by ClinVar (database versions not stated): ExAC 0.00008; 1000 Genomes Project 30x 0.00016; 1000 Genomes Project 0.00020; TOPMed 0.00021; ESP Exome Variant Server 0.00023; gnomAD 0.00031 and 0.00034.
gnomAD v4.1: 175 of 1,614,102 alleles (0.011%); highest among the groups gnomAD compares: African/African-American, 0.089%; no homozygotes.

Submissions 1 to 12 of 17:

PreventionGenetics, part of Exact Sciences
Classification: Uncertain significance for BRIP1-related condition. Last evaluated: 2026-04-28. Review status: criteria provided, single submitter. Criteria: ACMG Guidelines, 2015. Collection method: clinical testing. Allele origin: germline.
Comment: The BRIP1 c.1735C>T variant is predicted to result in the amino acid substitution p.Arg579Cys. This variant has been reported in patients with colorectal cancer (Easton et al. 2016. PubMed ID: 26921362; Yurgelun et al. 2017. PubMed ID: 28135145), pancreatic adenocarcinoma (Shindo et al. 2017. PubMed ID: 28767289), and breast cancer (Tung et al. 2015. PubMed ID: 25186627). This variant is reported in 0.088% of alleles in individuals of African descent in gnomAD and has conflicting interpretations regarding its pathogenicity in ClinVar, ranging from likely benign to uncertain (Variation ID: 128162). At this time, the clinical significance of this variant is uncertain due to the absence of conclusive functional and genetic evidence.

Labcorp Genetics (formerly Invitae), Labcorp
Classification: Uncertain significance for Familial cancer of breast; Fanconi anemia complementation group J. Last evaluated: 2026-01-26. Review status: criteria provided, single submitter. Criteria: Invitae Variant Classification Sherloc (09022015). Collection method: clinical testing. Allele origin: germline.
Comment: This sequence change replaces arginine, which is basic and polar, with cysteine, which is neutral and slightly polar, at codon 579 of the BRIP1 protein (p.Arg579Cys). This variant is present in population databases (rs28997571, gnomAD 0.1%). This missense change has been observed in individual(s) with breast cancer, colorectal cancer, and/or pancreatic cancer (PMID: 25186627, 26921362, 28135145, 28767289, 31822495, 34326862, 36315513). ClinVar contains an entry for this variant (Variation ID: 128162). An algorithm developed to predict the effect of missense changes on protein structure and function outputs the following: PolyPhen-2: "Benign". The cysteine amino acid residue is found in multiple mammalian species, which suggests that this missense change does not adversely affect protein function. In summary, the available evidence is currently insufficient to determine the role of this variant in disease. Therefore, it has been classified as a Variant of Uncertain Significance.

Women's Health and Genetics/Laboratory Corporation of America, LabCorp
Classification: Uncertain significance. Last evaluated: 2025-10-06. Review status: criteria provided, single submitter. Criteria: LabCorp Variant Classification Summary - May 2015. Collection method: clinical testing. Allele origin: germline.
Comment: Variant summary: BRIP1 c.1735C>T (p.Arg579Cys) results in a non-conservative amino acid change in the encoded protein sequence. Algorithms developed to predict the effect of missense changes on protein structure and function are either unavailable or do not agree on the potential impact of this missense change. The variant allele was found at a frequency of 8.4e-05 in 261914 control chromosomes. This frequency is not significantly higher than estimated for disease-causing variants in BRIP1, allowing no conclusion about variant significance. c.1735C>T has been reported in the literature in individuals affected with Hereditary Breast and Ovarian Cancer without strong evidence for causality (e.g. Seal_2006, Tung_2015, Easton_2016, Dorling_2021, Moyer_2020, McDonald_2022). In addition, the variant has been reported in individuals with pancreatic cancer (Shindo_2017), colorectal cancer (Yurgelun_2017) and in unaffected subjects from control cohorts (Dorling_2021, Diaz-Velasquez_2023). These report(s) do not provide unequivocal conclusions about association of the variant with Hereditary Breast And Ovarian Cancer Syndrome or Fanconi Anemia Complementation Group J. To our knowledge, no experimental evidence demonstrating an impact on protein function has been reported. The following publications have been ascertained in the context of this evaluation (PMID: 36845387, 33471991, 26921362, 36315513, 31822495, 17033622, 28767289, 25186627, 28135145). ClinVar contains an entry for this variant (Variation ID: 128162). Based on the evidence outlined above, the variant was classified as uncertain significance.

GeneDx
Classification: Uncertain significance. Last evaluated: 2025-09-10. Review status: criteria provided, single submitter. Criteria: GeneDx Variant Classification Process June 2021. Collection method: clinical testing. Allele origin: germline. Affected: yes.
Comment: Observed in individuals with a personal or family history of breast, pancreatic, colorectal, or other cancers (PMID: 17033622, 25186627, 26921362, 28135145, 28767289, 31822495, 34326862, 33471991, 36315513, 36845387); In silico analysis supports that this missense variant has a deleterious effect on protein structure/function; This variant is associated with the following publications: (PMID: 29478780, 28135145, 26921362, 25186627, 28767289, 28301460, 31822495, 33471991, 32659497, 17033622, 36845387, 34326862, 36315513, 38874686, Zurera2025[CaseReport])

Quest Diagnostics Nichols Institute San Juan Capistrano
Classification: Uncertain significance. Last evaluated: 2024-12-05. Review status: criteria provided, single submitter. Criteria: Quest Diagnostics criteria. Collection method: clinical testing. Allele origin: unknown.
Comment: The BRIP1 c.1735C>T (p.Arg579Cys) variant has been reported in the published literature in individuals with a personal or family history of breast/ovarian cancer (PMIDs: 38874686 (2024), 36315513 (2022), 34326862 (2021), 31822495 (2020), 26921362 (2016), 25186627 (2015)), colorectal cancer (PMID: 28135145 (2017)), and pancreatic cancer (PMID: 28767289 (2017)). This variant was observed in additional individuals with breast cancer as well as in several reportedly healthy individuals in a case-control study (PMID: 33471991 (2021), see also LOVD). The frequency of this variant in the general population (Genome Aggregation Database) is higher than would generally be expected for pathogenic variants in this gene. Analysis of this variant using bioinformatics tools for the prediction of the effect of amino acid changes on protein structure and function yielded predictions that this variant is benign. Based on the available information, we are unable to determine the clinical significance of this variant.

Color Diagnostics, LLC DBA Color Health
Classification: Likely benign for Hereditary cancer-predisposing syndrome. Last evaluated: 2024-09-19. Review status: criteria provided, single submitter. Criteria: ACMG Guidelines, 2015. Collection method: clinical testing. Allele origin: germline.

Blueprint Genetics
Classification: Uncertain significance. Last evaluated: 2024-03-19. Review status: criteria provided, single submitter. Criteria: ACMG Guidelines, 2015. Collection method: clinical testing. Allele origin: germline.

Myriad Genetics, Inc.
Classification: Uncertain significance for Familial cancer of breast. Last evaluated: 2023-03-02. Review status: criteria provided, single submitter. Criteria: Myriad Autosomal Dominant, Autosomal Recessive and X-Linked Classification Criteria (2023). Collection method: clinical testing. Allele origin: unknown.
Comment: This variant is classified as a variant of uncertain significance as there is insufficient evidence to determine its impact on protein function and/or cancer risk.

Ambry Genetics
Classification: Benign for Hereditary cancer-predisposing syndrome. Last evaluated: 2021-09-01. Review status: criteria provided, single submitter. Criteria: Ambry Variant Classification Scheme 2023. Collection method: clinical testing. Allele origin: germline.

Sema4
Classification: Uncertain significance for Hereditary cancer-predisposing syndrome. Last evaluated: 2021-08-31. Review status: criteria provided, single submitter. Criteria: Sema4 Curation Guidelines. Collection method: curation. Allele origin: germline.
Comment: The BRIP1 c.1735C>T (p.R579C ) variant has been reported in individuals with colorectal cancer, breast cancer, and pancreatic cancer as well as unaffected controls (PMID: 17033622, 25186627, 26921362, 28767289, 28135145, 32659497, 31822495, 33471991). This variant was observed in 22/24962 chromosomes in the African population, with 0 homozygotes, according to the Genome Aggregation Database (PMID: 27535533). The variant has been reported in ClinVar (Variation ID:128162). Functional studies have not been performed, and in silico predictions of the variant's effect on protein function are inconclusive. The evidence is insufficient to meet ACMG/AMP criteria for classifying the variant as benign or pathogenic. Thus, the clinical significance of this variant is currently uncertain.

CeGaT Center for Human Genetics Tuebingen
Classification: Uncertain significance. Last evaluated: 2019-01-01. Review status: criteria provided, single submitter. Criteria: CeGaT Center For Human Genetics Tuebingen Variant Classification Criteria Version 2. Collection method: clinical testing. Allele origin: germline. Affected: yes. Observed: 1 variant allele.

Mendelics
Classification: Uncertain significance for Fanconi anemia, complementation group J. Last evaluated: 2018-07-02. Review status: criteria provided, single submitter. Criteria: Mendelics Assertion Criteria 2017. Collection method: clinical testing. Allele origin: unknown.

NM_032043.3(BRIP1):c.1735C>T (p.Arg579Cys)

Gene: BRIP1 (BRCA1 interacting DNA helicase 1; minus strand). Cytogenetic location: 17q23.2.
Variant type: single nucleotide variant.
Coding change: c.1735C>T on transcript NM_032043.3 (MANE Select); coding-DNA position 1735, C replaced by T.
Protein change: p.Arg579Cys; replaces arginine 579 with cysteine.
Molecular consequence: missense variant.
Genome position (GRCh38, 1-based): chr17:61,780,899, G>A on the plus strand (C>T on the coding strand, the complement: BRIP1 is on the minus strand). VCF-style: chr17-61780899-G-A. GRCh37 (hg19) VCF-style: chr17-59858260-G-A.
Other names: p.R579C:CGT>TGT; short protein forms R579C.
Identifiers: ClinVar variation 128162 (VCV000128162.90), dbSNP rs28997571, ClinGen allele CA288532.